The following is an entry in ClinVar:

ClinVar aggregate classification (germline): Uncertain significance (1 of 4 stars; one submission).

gnomAD v4.1: 1 of 1,614,102 alleles (0.000062%); no homozygotes.

Submission:

Mayo Clinic Laboratories, Mayo Clinic
Classification: Uncertain significance. Last evaluated: 2025-07-22. Review status: criteria provided, single submitter. Criteria: ACMG Guidelines, 2015. Collection method: clinical testing. Allele origin: germline. Observed: 1 variant allele.
Comment: PP3, PM2_supporting

NM_000342.4(SLC4A1):c.1711G>A (p.Ala571Thr)

Gene: SLC4A1 (solute carrier family 4 member 1 (Diego blood group); minus strand). Cytogenetic location: 17q21.31.
Variant type: single nucleotide variant.
Coding change: c.1711G>A on transcript NM_000342.4 (MANE Select); coding-DNA position 1711, G replaced by A.
Protein change: p.Ala571Thr; replaces alanine 571 with threonine.
Molecular consequence: missense variant.
Genome position (GRCh38, 1-based): chr17:44,255,762, C>T on the plus strand (G>A on the coding strand, the complement: SLC4A1 is on the minus strand). VCF-style: chr17-44255762-C-T. GRCh37 (hg19) VCF-style: chr17-42333130-C-T.
Other names: p.Ala571Thr; short protein forms A571T.
Identifiers: ClinVar variation 4542168 (VCV004542168.1).